The following is an entry in ClinVar:

NM_001670.3(ARVCF):c.2513C>G (p.Thr838Ser)

Gene: ARVCF (ARVCF delta catenin family member; minus strand). Cytogenetic location: 22q11.21.
Variant type: single nucleotide variant.
Coding change: c.2513C>G on transcript NM_001670.3 (MANE Select); coding-DNA position 2513, C replaced by G.
Protein change: p.Thr838Ser; replaces threonine 838 with serine.
Molecular consequence: missense variant.
Genome position (GRCh38, 1-based): chr22:19,972,962, G>C on the plus strand (C>G on the coding strand, the complement: ARVCF is on the minus strand). VCF-style: chr22-19972962-G-C. GRCh37 (hg19) VCF-style: chr22-19960485-G-C.
Other names: c.2306C>G, p.Thr769Ser (NM_001410839.1); short protein forms T769S, T838S.
Identifiers: ClinVar variation 3129998 (VCV003129998.11), dbSNP rs143382568, ClinGen allele CA10105079.

ClinVar aggregate classification (germline): Conflicting classifications of pathogenicity. Review status: criteria provided, conflicting classifications (1 of 4 stars). 2 submissions from 2 submitters: Uncertain significance (1); Likely benign (1). Last evaluated 2025-06-01.

Allele frequency attached by ClinVar (database versions not stated): ExAC 0.00008; TOPMed 0.00014; ESP Exome Variant Server 0.00015; gnomAD 0.00020; 1000 Genomes Project 30x 0.00047; 1000 Genomes Project 0.00060.
gnomAD v4.1: 179 of 1,613,794 alleles (0.011%); highest among the groups gnomAD compares: Middle Eastern, 0.18%; 4 homozygotes.

Submissions (2):

CeGaT Center for Human Genetics Tuebingen
Classification: Likely benign. Last evaluated: 2025-06-01. Review status: criteria provided, single submitter. Criteria: CeGaT Center For Human Genetics Tuebingen Variant Classification Criteria Version 2. Collection method: clinical testing. Allele origin: germline. Affected: yes. Observed: 1 variant allele.
Comment: ARVCF: BP4, BS2

Ambry Genetics
Classification: Uncertain significance. Last evaluated: 2021-06-23. Review status: criteria provided, single submitter. Criteria: Ambry Variant Classification Scheme 2023. Collection method: clinical testing. Allele origin: germline.